The following is an entry in ClinVar:

ClinVar aggregate classification (germline): Uncertain significance. Review status: criteria provided, multiple submitters, no conflicts (2 of 4 stars). 2 submissions from 2 submitters: Uncertain significance (2). Last evaluated 2024-03-21.

Conditions:
Focal segmental glomerulosclerosis 3, susceptibility to (FSGS3). Identifiers: Orphanet 656, MedGen C1842982, MONDO:0011917, OMIM 607832.

Allele frequency attached by ClinVar (database versions not stated): gnomAD exomes 0.00001; TOPMed 0.00002; gnomAD 0.00003; ESP Exome Variant Server 0.00008.
gnomAD v4.1: 19 of 1,543,420 alleles (0.0012%); highest among the groups gnomAD compares: Non-Finnish European, 0.0017%; no homozygotes.

Submissions (2):

Fulgent Genetics
Classification: Uncertain significance for Focal segmental glomerulosclerosis 3, susceptibility to. Last evaluated: 2024-03-21. Review status: criteria provided, single submitter. Criteria: ACMG Guidelines, 2015. Collection method: clinical testing. Allele origin: germline.

Labcorp Genetics (formerly Invitae), Labcorp
Classification: Uncertain significance. Last evaluated: 2022-11-28. Review status: criteria provided, single submitter. Criteria: Invitae Variant Classification Sherloc (09022015). Collection method: clinical testing. Allele origin: germline.
Comment: This sequence change replaces glutamic acid, which is acidic and polar, with aspartic acid, which is acidic and polar, at codon 287 of the CD2AP protein (p.Glu287Asp). In summary, the available evidence is currently insufficient to determine the role of this variant in disease. Therefore, it has been classified as a Variant of Uncertain Significance. Advanced modeling of protein sequence and biophysical properties (such as structural, functional, and spatial information, amino acid conservation, physicochemical variation, residue mobility, and thermodynamic stability) performed at Invitae indicates that this missense variant is expected to disrupt CD2AP protein function. This variant has not been reported in the literature in individuals affected with CD2AP-related conditions. This variant is present in population databases (rs147947745, gnomAD 0.007%).

NM_012120.3(CD2AP):c.861A>T (p.Glu287Asp)

Gene: CD2AP (CD2 associated protein; plus strand). Cytogenetic location: 6p12.3.
Variant type: single nucleotide variant.
Coding change: c.861A>T on transcript NM_012120.3 (MANE Select); coding-DNA position 861, A replaced by T.
Protein change: p.Glu287Asp; replaces glutamic acid 287 with aspartic acid.
Molecular consequence: missense variant.
Genome position (GRCh38, 1-based): chr6:47,577,061, A>T. VCF-style: chr6-47577061-A-T. GRCh37 (hg19) VCF-style: chr6-47544797-A-T.
Other names: short protein forms E287D.
Identifiers: ClinVar variation 2989503 (VCV002989503.4), dbSNP rs147947745, ClinGen allele CA137942122.